The following is an entry in ClinVar:

ClinVar aggregate classification (germline): Uncertain significance (1 of 4 stars; one submission).

Submission:

Labcorp Genetics (formerly Invitae), Labcorp
Classification: Uncertain significance. Last evaluated: 2022-07-26. Review status: criteria provided, single submitter. Criteria: Invitae Variant Classification Sherloc (09022015). Collection method: clinical testing. Allele origin: germline.
Comment: This sequence change replaces glycine, which is neutral and non-polar, with valine, which is neutral and non-polar, at codon 395 of the MBTPS1 protein (p.Gly395Val). This variant is not present in population databases (gnomAD no frequency). This variant has not been reported in the literature in individuals affected with MBTPS1-related conditions. Algorithms developed to predict the effect of missense changes on protein structure and function are either unavailable or do not agree on the potential impact of this missense change (SIFT: "Deleterious"; PolyPhen-2: "Probably Damaging"; Align-GVGD: "Class C0"). In summary, the available evidence is currently insufficient to determine the role of this variant in disease. Therefore, it has been classified as a Variant of Uncertain Significance.

NM_003791.4(MBTPS1):c.1184G>T (p.Gly395Val)

Gene: MBTPS1 (membrane bound transcription factor peptidase, site 1; minus strand). Cytogenetic location: 16q23.3.
Variant type: single nucleotide variant.
Coding change: c.1184G>T on transcript NM_003791.4 (MANE Select); coding-DNA position 1184, G replaced by T.
Protein change: p.Gly395Val; replaces glycine 395 with valine.
Molecular consequence: missense variant.
Genome position (GRCh38, 1-based): chr16:84,085,085, C>A on the plus strand (G>T on the coding strand, the complement: MBTPS1 is on the minus strand). VCF-style: chr16-84085085-C-A. GRCh37 (hg19) VCF-style: chr16-84118690-C-A.
Other names: short protein forms G395V.
Identifiers: ClinVar variation 2019756 (VCV002019756.4), dbSNP rs2507799053, ClinGen allele CA396935115.